The following is an entry in ClinVar:

ClinVar aggregate classification (germline): Pathogenic. Review status: criteria provided, multiple submitters, no conflicts (2 of 4 stars). 2 submissions from 2 submitters: Pathogenic (2). Last evaluated 2025-05-30.

Conditions:
Cardiac arrhythmia. Also called: Cardiac rhythm disease; Arrhythmia. Identifiers: MedGen C0003811, MONDO:0007263, HP:0011675.
Cardiovascular phenotype. Identifiers: MedGen CN230736.

Submissions (2):

Ambry Genetics
Classification: Pathogenic for Cardiovascular phenotype. Last evaluated: 2025-05-30. Review status: criteria provided, single submitter. Criteria: Ambry Variant Classification Scheme 2023. Collection method: clinical testing. Allele origin: germline.
Comment: The c.2670delC pathogenic mutation, located in coding exon 11 of the KCNH2 gene, results from a deletion of one nucleotide at nucleotide position 2670, causing a translational frameshift with a predicted alternate stop codon (p.F891Sfs*83). This variant was reported in individual(s) with features consistent with long QT syndrome (Ambry internal data). This variant is considered to be rare based on population cohorts in the Genome Aggregation Database (gnomAD). This alteration is expected to result in loss of function by premature protein truncation or nonsense-mediated mRNA decay. As such, this alteration is interpreted as a disease-causing mutation.

Color Diagnostics, LLC DBA Color Health
Classification: Pathogenic for Cardiac arrhythmia. Last evaluated: 2024-03-08. Review status: criteria provided, single submitter. Criteria: ACMG Guidelines, 2015. Collection method: clinical testing. Allele origin: germline.
Comment: This variant deletes 1 nucleotide in exon 11 of the KCNH2 gene, creating a frameshift and premature translation stop signal. This variant is expected to result in an absent or non-functional protein product. To our knowledge, this variant has not been reported in individuals affected with KCNH2-related disorders in the literature. This variant has not been identified in the general population by the Genome Aggregation Database (gnomAD). Loss of KCNH2 function is a known mechanism of disease. Based on the available evidence, this variant is classified as Pathogenic.

NM_000238.4(KCNH2):c.2670del (p.Phe891fs)

Gene: KCNH2 (potassium voltage-gated channel subfamily H member 2; minus strand). Cytogenetic location: 7q36.1.
Variant type: Deletion.
Coding change: c.2670del on transcript NM_000238.4 (MANE Select); coding-DNA position 2670, one base deleted (C; older notation c.2670delC).
Protein change: p.Phe891fs; shifts the reading frame from phenylalanine 891.
Molecular consequence: frameshift variant. On other transcripts: non-coding transcript variant (2).
Genome position (GRCh38, 1-based): chr7:150,948,466, G deleted on the plus strand (C on the coding strand, the reverse complement: KCNH2 is on the minus strand); the first of 2 consecutive G bases (chr7:150,948,466-150,948,467); deleting either gives the same sequence. VCF-style (leftmost placement, unchanged base first): chr7-150948465-AG-A. GRCh37 (hg19) VCF-style: chr7-150645553-AG-A.
Other names: c.2382del, p.Phe795fs (NM_001406753.1); c.1650del, p.Phe551fs (NM_172057.3); c.2670delC (NM_000238.3); short protein forms F551fs, F795fs, F891fs.
Identifiers: ClinVar variation 3894466 (VCV003894466.2).
Genomic context (GRCh38, chr7:150,948,465, plus strand): 5'-TGTCCCCGCCCTCCCCCTTCCTCCCCTCCCCCGCCTCACCCTTGTCCGTGCGCCTGCGGA[AG>A]GACAACTTGCGCTTGCGTTGCCGACTGAAGCCACCCTCTAACTCCGTACTGCCGGGGGAG-3'